The following is an entry in ClinVar:

ClinVar aggregate classification (germline): Uncertain significance. Review status: criteria provided, multiple submitters, no conflicts (2 of 4 stars). 3 submissions from 3 submitters: Uncertain significance (3). Last evaluated 2025-07-06.

Conditions:
RASopathy. Also called: Noonan spectrum disorder; rasopathies. Identifiers: Orphanet 536391, MedGen C5555857, MONDO:0021060.

Allele frequency attached by ClinVar (database versions not stated): ExAC below 0.00001; gnomAD exomes 0.00001; TOPMed 0.00001.
gnomAD v4.1: 4 of 1,563,490 alleles (0.00026%); highest among the groups gnomAD compares: Admixed American, 0.0057%; no homozygotes.

Submissions (3):

Labcorp Genetics (formerly Invitae), Labcorp
Classification: Uncertain significance for RASopathy. Last evaluated: 2025-07-06. Review status: criteria provided, single submitter. Criteria: Invitae Variant Classification Sherloc (09022015). Collection method: clinical testing. Allele origin: germline.
Comment: This sequence change replaces lysine, which is basic and polar, with arginine, which is basic and polar, at codon 4 of the MAP2K1 protein (p.Lys4Arg). This variant is present in population databases (rs761150136, gnomAD 0.004%). This variant has not been reported in the literature in individuals affected with MAP2K1-related conditions. ClinVar contains an entry for this variant (Variation ID: 496174). Invitae Evidence Modeling of protein sequence and biophysical properties (such as structural, functional, and spatial information, amino acid conservation, physicochemical variation, residue mobility, and thermodynamic stability) indicates that this missense variant is not expected to disrupt MAP2K1 protein function with a negative predictive value of 95%. In summary, the available evidence is currently insufficient to determine the role of this variant in disease. Therefore, it has been classified as a Variant of Uncertain Significance.

ARUP Laboratories, Molecular Genetics and Genomics, ARUP Laboratories
Classification: Uncertain significance. Last evaluated: 2023-12-18. Review status: criteria provided, single submitter. Criteria: ARUP Molecular Germline Variant Investigation Process 2024. Collection method: clinical testing. Allele origin: germline.
Comment: The MAP2K1 c.11A>G; p.Lys4Arg variant (rs761150136), to our knowledge, is not reported in the medical literature but is reported in ClinVar (Variation ID: 496174). This variant is only observed on two alleles in the Genome Aggregation Database (v2.1.1), indicating it is not a common polymorphism. Computational analyses are uncertain whether this variant is neutral or deleterious (REVEL: 0.371). Due to limited information, the clinical significance of this variant is uncertain at this time.

Women's Health and Genetics/Laboratory Corporation of America, LabCorp
Classification: Uncertain significance. Last evaluated: 2017-03-27. Review status: criteria provided, single submitter. Criteria: LabCorp Variant Classification Summary - May 2015. Collection method: clinical testing. Allele origin: germline.
Comment: Variant summary: The c.11A>G (p.Lys4Arg) in MAP2K1 gene is a missense change that involves a mildly conserved nucleotide and 4/5 in silico tools predict benign outcome. The variant of interest is located outside of any known functional domain and no functional studies implying the impact of this varian ton protein function have been published at the time of evaluation. The variant is absent from the control population dataset of ExAC (0/ 21980 chrs tested). Small numbers of sample in ExAC database indicate a low coverage site, therefore this data should be reviewed with caution. The variant is present in control population of gnomAD at a frequency of 0.00001208 (2/ 165522 chrs tested), which exceeds the maximal expected allele frequency for a pathogenic variant in this gene (0.0000025). The presence of the variant in presumably unaffected individual in gnomAD suggests a benign outcome, as mutations in MAP2K1 are extremely rare in hematologic malignancy (COSMIC). The variant has not, to our knowledge, been reported in affected individuals via published reports or by reputable databases/clinical laboratories. Taking together, the variant was classified as VUS until more evidence becomes available.

NM_002755.4(MAP2K1):c.11A>G (p.Lys4Arg)

Gene: MAP2K1 (mitogen-activated protein kinase kinase 1; plus strand). Cytogenetic location: 15q22.31.
Variant type: single nucleotide variant.
Coding change: c.11A>G on transcript NM_002755.4 (MANE Select); coding-DNA position 11, A replaced by G.
Protein change: p.Lys4Arg; replaces lysine 4 with arginine.
Molecular consequence: missense variant.
Genome position (GRCh38, 1-based): chr15:66,387,358, A>G. VCF-style: chr15-66387358-A-G. GRCh37 (hg19) VCF-style: chr15-66679696-A-G.
Other names: short protein forms K4R.
Identifiers: ClinVar variation 496174 (VCV000496174.5), dbSNP rs761150136, ClinGen allele CA7623845.